The following is an entry in ClinVar:

NM_017934.7(PHIP):c.2467G>A (p.Glu823Lys)

Gene: PHIP (PHIP subunit of CUL4-Ring ligase complex; minus strand). Cytogenetic location: 6q14.1.
Variant type: single nucleotide variant.
Coding change: c.2467G>A on transcript NM_017934.7 (MANE Select); coding-DNA position 2467, G replaced by A.
Protein change: p.Glu823Lys; replaces glutamic acid 823 with lysine.
Molecular consequence: missense variant.
Genome position (GRCh38, 1-based): chr6:78,985,422, C>T on the plus strand (G>A on the coding strand, the complement: PHIP is on the minus strand). VCF-style: chr6-78985422-C-T. GRCh37 (hg19) VCF-style: chr6-79695139-C-T.
Other names: c.2467G>A (NM_017934.6); short protein forms E823K.
Identifiers: ClinVar variation 2052113 (VCV002052113.5), dbSNP rs749769774, ClinGen allele CA3899935.
Genomic context (GRCh38, chr6:78,985,422, plus strand): 5'-CATCACTGTGCCATGCTCTCTCTTCTTCTTCGGATGTTCCACCACTGACAGCAACTACTT[C>T]GCCTTCCTAAGATATGTTGAATACATGTCTTATTGCATAATTTTATAAAATAACATTTTA-3'
Protein context (NP_060404.4, residues 813-833): ENGSSSSDEG[Glu823Lys]VVAVSGGTSE

ClinVar aggregate classification (germline): Conflicting classifications of pathogenicity. Review status: criteria provided, conflicting classifications (1 of 4 stars). 2 submissions from 2 submitters: Uncertain significance (1); Benign (1). Last evaluated 2025-09-03.

Conditions:
PHIP-related disorder. Also called: PHIP-related disorders; PHIP-related condition.

Allele frequency attached by ClinVar (database versions not stated): TOPMed 0.00002; ExAC 0.00001; gnomAD 0.00001; gnomAD exomes 0.00001.
gnomAD v4.1: 18 of 1,569,126 alleles (0.0011%); highest among the groups gnomAD compares: East Asian, 0.0022%; no homozygotes.

Submissions (2):

PreventionGenetics, part of Exact Sciences
Classification: Uncertain significance for PHIP-related condition. Last evaluated: 2025-09-03. Review status: criteria provided, single submitter. Criteria: ACMG Guidelines, 2015. Collection method: clinical testing. Allele origin: germline.
Comment: The PHIP c.2467G>A variant is predicted to result in the amino acid substitution p.Glu823Lys. To our knowledge, this variant has not been reported in the literature. This variant is reported in 0.0035% of alleles in individuals of European (Non-Finnish) descent in gnomAD. At this time, the clinical significance of this variant is uncertain due to the absence of conclusive functional and genetic evidence.

Labcorp Genetics (formerly Invitae), Labcorp
Classification: Benign. Last evaluated: 2022-07-26. Review status: criteria provided, single submitter. Criteria: Invitae Variant Classification Sherloc (09022015). Collection method: clinical testing. Allele origin: germline.